The following is an entry in ClinVar:

ClinVar aggregate classification (germline): Uncertain significance (1 of 4 stars; one submission).

Allele frequency attached by ClinVar (database versions not stated): gnomAD 0.00001; TOPMed 0.00001; gnomAD exomes 0.00002.
gnomAD v4.1: 35 of 1,575,368 alleles (0.0022%); highest among the groups gnomAD compares: Non-Finnish European, 0.003%; no homozygotes.

Submission:

Labcorp Genetics (formerly Invitae), Labcorp
Classification: Uncertain significance. Last evaluated: 2022-07-11. Review status: criteria provided, single submitter. Criteria: Invitae Variant Classification Sherloc (09022015). Collection method: clinical testing. Allele origin: germline.
Comment: This sequence change replaces threonine, which is neutral and polar, with serine, which is neutral and polar, at codon 358 of the CREB3L1 protein (p.Thr358Ser). In summary, the available evidence is currently insufficient to determine the role of this variant in disease. Therefore, it has been classified as a Variant of Uncertain Significance. Algorithms developed to predict the effect of missense changes on protein structure and function (SIFT, PolyPhen-2, Align-GVGD) all suggest that this variant is likely to be tolerated. This variant has not been reported in the literature in individuals affected with CREB3L1-related conditions. This variant is not present in population databases (gnomAD no frequency).

NM_052854.4(CREB3L1):c.1073C>G (p.Thr358Ser)

Gene: CREB3L1 (cAMP responsive element binding protein 3 like 1; plus strand). Cytogenetic location: 11p11.2.
Variant type: single nucleotide variant.
Coding change: c.1073C>G on transcript NM_052854.4 (MANE Select); coding-DNA position 1073, C replaced by G.
Protein change: p.Thr358Ser; replaces threonine 358 with serine.
Molecular consequence: missense variant.
Genome position (GRCh38, 1-based): chr11:46,316,327, C>G. VCF-style: chr11-46316327-C-G. GRCh37 (hg19) VCF-style: chr11-46337878-C-G.
Other names: short protein forms T358S.
Identifiers: ClinVar variation 1951542 (VCV001951542.5), dbSNP rs1255957152, ClinGen allele CA380224223.